The following is an entry in ClinVar:

ClinVar aggregate classification (germline): Uncertain significance. Review status: criteria provided, multiple submitters, no conflicts (2 of 4 stars). 2 submissions from 2 submitters: Uncertain significance (2). Last evaluated 2022-11-22.

Allele frequency attached by ClinVar (database versions not stated): TOPMed below 0.00001; gnomAD 0.00001.

Submissions (2):

GeneDx
Classification: Uncertain significance. Last evaluated: 2022-11-22. Review status: criteria provided, single submitter. Criteria: GeneDx Variant Classification Process June 2021. Collection method: clinical testing. Allele origin: germline. Affected: yes.
Comment: Not observed at significant frequency in large population cohorts (gnomAD); In silico analysis supports that this missense variant has a deleterious effect on protein structure/function; Has not been previously published as pathogenic or benign to our knowledge

Labcorp Genetics (formerly Invitae), Labcorp
Classification: Uncertain significance. Last evaluated: 2022-08-23. Review status: criteria provided, single submitter. Criteria: Invitae Variant Classification Sherloc (09022015). Collection method: clinical testing. Allele origin: germline.
Comment: In summary, the available evidence is currently insufficient to determine the role of this variant in disease. Therefore, it has been classified as a Variant of Uncertain Significance. Algorithms developed to predict the effect of missense changes on protein structure and function are either unavailable or do not agree on the potential impact of this missense change (SIFT: "Deleterious"; PolyPhen-2: "Not Available"; Align-GVGD: "Class C0"). ClinVar contains an entry for this variant (Variation ID: 1399314). This variant has not been reported in the literature in individuals affected with COL9A2-related conditions. This variant is present in population databases (no rsID available, gnomAD no frequency). This sequence change replaces glycine, which is neutral and non-polar, with aspartic acid, which is acidic and polar, at codon 27 of the COL9A2 protein (p.Gly27Asp).

NM_001852.4(COL9A2):c.80G>A (p.Gly27Asp)

Genes: COL9A2 (collagen type IX alpha 2 chain; minus strand), LOC129930261 (ATAC-STARR-seq lymphoblastoid silent region 724; plus strand). Cytogenetic location: 1p34.2.
Variant type: single nucleotide variant.
Coding change: c.80G>A on transcript NM_001852.4 (MANE Select); coding-DNA position 80, G replaced by A.
Protein change: p.Gly27Asp; replaces glycine 27 with aspartic acid.
Molecular consequence: missense variant.
Genome position (GRCh38, 1-based): chr1:40,315,660, C>T on the plus strand (G>A on the coding strand, the complement: COL9A2 is on the minus strand). VCF-style: chr1-40315660-C-T. GRCh37 (hg19) VCF-style: chr1-40781332-C-T.
Other names: c.80G>A (NM_001852.3); short protein forms G27D.
Identifiers: ClinVar variation 1399314 (VCV001399314.6), dbSNP rs753341843, ClinGen allele CA21042447.